The following is an entry in ClinVar:

NM_003151.4(STAT4):c.373-6T>C

Gene: STAT4 (signal transducer and activator of transcription 4; minus strand). Cytogenetic location: 2q32.2.
Variant type: single nucleotide variant.
Coding change: c.373-6T>C on transcript NM_003151.4 (MANE Select); 6 bases into the intron before coding-DNA position 373, T replaced by C.
Molecular consequence: intron variant.
Genome position (GRCh38, 1-based): chr2:191,073,196, A>G on the plus strand (T>C on the coding strand, the complement: STAT4 is on the minus strand). VCF-style: chr2-191073196-A-G. GRCh37 (hg19) VCF-style: chr2-191937922-A-G.
Other names: c.373-6T>C (NM_001243835.2).
Identifiers: ClinVar variation 3694995 (VCV003694995.2).

ClinVar aggregate classification (germline): Uncertain significance (1 of 4 stars; one submission).

gnomAD v4.1: 2 of 1,612,764 alleles (0.00012%); highest among the groups gnomAD compares: Non-Finnish European, 0.000085%; no homozygotes.

Submission:

Labcorp Genetics (formerly Invitae), Labcorp
Classification: Uncertain significance. Last evaluated: 2024-10-12. Review status: criteria provided, single submitter. Criteria: Invitae Variant Classification Sherloc (09022015). Collection method: clinical testing. Allele origin: germline.
Comment: This sequence change falls in intron 4 of the STAT4 gene. It does not directly change the encoded amino acid sequence of the STAT4 protein. This variant is not present in population databases (gnomAD no frequency). This variant has not been reported in the literature in individuals affected with STAT4-related conditions. Algorithms developed to predict the effect of sequence changes on RNA splicing suggest that this variant may disrupt the consensus splice site. In summary, the available evidence is currently insufficient to determine the role of this variant in disease. Therefore, it has been classified as a Variant of Uncertain Significance.